The following is an entry in ClinVar:

NM_016929.5(CLIC5):c.589-9_589-8del

Gene: CLIC5 (CLIC family member 5; minus strand). Cytogenetic location: 6p21.1.
Variant type: Microsatellite.
Coding change: c.589-9_589-8del on transcript NM_016929.5 (MANE Select); 9 bases into the intron before coding-DNA position 589 through 8 bases into the intron before coding-DNA position 589, 2 bases deleted (CT; older notation c.589-9_589-8delCT).
Molecular consequence: intron variant.
Genome position (GRCh38, 1-based): chr6:45,903,263-45,903,264, AG deleted on the plus strand (CT on the coding strand, the reverse complement: CLIC5 is on the minus strand); deleting any 2 consecutive bases within chr6:45,903,263-45,903,267 gives the same sequence; the c. name uses the placement nearest the transcript's 3' end. VCF-style (leftmost placement, unchanged base first): chr6-45903262-CAG-C. GRCh37 (hg19) VCF-style: chr6-45870999-CAG-C.
Other names: NC_000006.11:g.45871003_45871004del; p.?; c.472-9_472-8del (NM_001370649.1); c.1066-9_1066-8del (NM_001370650.1, NM_001114086.2); c.589-12_589-11del (NM_016929.5).
Identifiers: ClinVar variation 506168 (VCV000506168.16), dbSNP rs3831297, ClinGen allele CA3836715.
Genomic context (GRCh38, chr6:45,903,262, plus strand): 5'-CAGGCCTGTCATCTCAGCCGGGATATCATAGTTGCGGTATTTCTTGGCCACAATCTAAAA[CAG>C]AGATGGCAGGACAGAGGTGGTGTGAAGGCATGAAACAAATCATTAGAAAGTGTTAGTGGC-3'

ClinVar aggregate classification (germline): Benign. Review status: criteria provided, multiple submitters, no conflicts (2 of 4 stars). 5 submissions from 5 submitters: Benign (5). Last evaluated 2026-02-03.

Submissions (6):

Labcorp Genetics (formerly Invitae), Labcorp
Classification: Benign. Last evaluated: 2026-02-03. Review status: criteria provided, single submitter. Criteria: Invitae Variant Classification Sherloc (09022015). Collection method: clinical testing. Allele origin: germline.

Blueprint Genetics
Classification: Benign. Last evaluated: 2024-11-27. Review status: criteria provided, single submitter. Criteria: ACMG Guidelines, 2015. Collection method: clinical testing. Allele origin: germline.

Mayo Clinic Laboratories, Mayo Clinic
Classification: Benign. Last evaluated: 2020-10-20. Review status: criteria provided, single submitter. Criteria: ACMG Guidelines, 2015. Collection method: clinical testing. Allele origin: germline. Observed: 127 variant alleles.

GeneDx
Classification: Benign. Last evaluated: 2018-06-12. Review status: criteria provided, single submitter. Criteria: GeneDx Variant Classification Process June 2021. Collection method: clinical testing. Allele origin: germline. Affected: yes.

Laboratory for Molecular Medicine, Mass General Brigham Personalized Medicine
Classification: Benign. Last evaluated: 2017-09-25. Review status: criteria provided, single submitter. Criteria: LMM Criteria. Collection method: clinical testing. Allele origin: germline. Observed: 34 variant alleles.
Comment: c.1066-9_1066-8delCT in intron 5 of CLIC5: This variant is not expected to have clinical significance because it has been identified in 44.4% (8056/18162) of Ea st Asian chromosomes by the Genome Aggregation Database (gnomAD; dbSNP rs35735653).

Dr. Peter K. Rogan Lab, Western University
No classification provided (evidence only). Condition: Cervical cancer. Review status: no classification provided. Collection method: in vitro. Allele origin: not applicable. Functional consequence: retained intron. Not counted in ClinVar's aggregate classification.